The following is an entry in ClinVar:

NM_012193.4(FZD4):c.177C>A (p.Asn59Lys)

Gene: FZD4 (frizzled class receptor 4; minus strand). Cytogenetic location: 11q14.2.
Variant type: single nucleotide variant.
Coding change: c.177C>A on transcript NM_012193.4 (MANE Select); coding-DNA position 177, C replaced by A.
Protein change: p.Asn59Lys; replaces asparagine 59 with lysine.
Molecular consequence: missense variant.
Genome position (GRCh38, 1-based): chr11:86,954,909, G>T on the plus strand (C>A on the coding strand, the complement: FZD4 is on the minus strand). VCF-style: chr11-86954909-G-T. GRCh37 (hg19) VCF-style: chr11-86665951-G-T.
Other names: c.177C>A (NM_012193.3); short protein forms N59K.
Identifiers: ClinVar variation 1919589 (VCV001919589.6), dbSNP rs774200714, ClinGen allele CA6218516.

ClinVar aggregate classification (germline): Uncertain significance. Review status: criteria provided, multiple submitters, no conflicts (2 of 4 stars). 2 submissions from 2 submitters: Uncertain significance (2). Last evaluated 2025-09-26.

Conditions:
Inborn genetic diseases. Identifiers: MedGen C0950123, MeSH D030342.

Allele frequency attached by ClinVar (database versions not stated): ExAC 0.00003; gnomAD 0.00005; TOPMed 0.00005.
gnomAD v4.1: 130 of 1,613,566 alleles (0.0081%); highest among the groups gnomAD compares: Non-Finnish European, 0.01%; no homozygotes.

Submissions (2):

Ambry Genetics
Classification: Uncertain significance for Inborn genetic diseases. Last evaluated: 2025-09-26. Review status: criteria provided, single submitter. Criteria: Ambry Variant Classification Scheme 2023. Collection method: clinical testing. Allele origin: germline.
Comment: The c.177C>A (p.N59K) alteration is located in exon 1 (coding exon 1) of the FZD4 gene. This alteration results from a C to A substitution at nucleotide position 177, causing the asparagine (N) at amino acid position 59 to be replaced by a lysine (K). Based on data from gnomAD, the A allele has an overall frequency of 0.004% (10/279870) total alleles studied. The highest observed frequency was 0.008% (2/25052) of European (Finnish) alleles. Based on insufficient or conflicting evidence, the clinical significance of this alteration remains unclear.

Labcorp Genetics (formerly Invitae), Labcorp
Classification: Uncertain significance. Last evaluated: 2022-11-01. Review status: criteria provided, single submitter. Criteria: Invitae Variant Classification Sherloc (09022015). Collection method: clinical testing. Allele origin: germline.
Comment: This sequence change replaces asparagine, which is neutral and polar, with lysine, which is basic and polar, at codon 59 of the FZD4 protein (p.Asn59Lys). This variant is present in population databases (rs774200714, gnomAD 0.008%). This variant has not been reported in the literature in individuals affected with FZD4-related conditions. Advanced modeling of protein sequence and biophysical properties (such as structural, functional, and spatial information, amino acid conservation, physicochemical variation, residue mobility, and thermodynamic stability) performed at Invitae indicates that this missense variant is not expected to disrupt FZD4 protein function. In summary, the available evidence is currently insufficient to determine the role of this variant in disease. Therefore, it has been classified as a Variant of Uncertain Significance.